The following is an entry in ClinVar:

ClinVar aggregate classification (germline): Uncertain significance (1 of 4 stars; one submission).

Submission:

GeneDx
Classification: Uncertain significance. Last evaluated: 2026-09-19. Review status: criteria provided, single submitter. Criteria: GeneDx Variant Classification Process June 2021. Collection method: clinical testing. Allele origin: germline.
Comment: Not observed at significant frequency in large population cohorts (gnomAD); In silico analysis supports that this missense variant has a deleterious effect on protein structure/function; Has not been previously published as pathogenic or benign to our knowledge; This variant is associated with the following publications: (PMID: 21376300, 21820098, 26125038)

NM_001244008.2(KIF1A):c.778G>A (p.Ala260Thr)

Gene: KIF1A (kinesin family member 1A; minus strand). Cytogenetic location: 2q37.3.
Variant type: single nucleotide variant.
Coding change: c.778G>A on transcript NM_001244008.2 (MANE Select); coding-DNA position 778, G replaced by A.
Protein change: p.Ala260Thr; replaces alanine 260 with threonine.
Molecular consequence: missense variant.
Genome position (GRCh38, 1-based): chr2:240,783,759, C>T on the plus strand (G>A on the coding strand, the complement: KIF1A is on the minus strand). VCF-style: chr2-240783759-C-T. GRCh37 (hg19) VCF-style: chr2-241723176-C-T.
Other names: c.778G>A, p.Ala260Thr (NM_001379636.1, NM_001379637.1, NM_001379638.1 and 20 more transcripts); short protein forms A260T.
Identifiers: ClinVar variation 4055955 (VCV004055955.2).